The following is an entry in ClinVar:

NM_001040108.2(MLH3):c.3903G>A (p.Val1301=)

Gene: MLH3 (mutL homolog 3; minus strand). Cytogenetic location: 14q24.3.
Variant type: single nucleotide variant.
Coding change: c.3903G>A on transcript NM_001040108.2 (MANE Select); coding-DNA position 3903, G replaced by A.
Protein change: p.Val1301=; no amino-acid change (valine 1301 retained).
Molecular consequence: synonymous variant.
Genome position (GRCh38, 1-based): chr14:75,030,627, C>T on the plus strand (G>A on the coding strand, the complement: MLH3 is on the minus strand). VCF-style: chr14-75030627-C-T. GRCh37 (hg19) VCF-style: chr14-75497330-C-T.
Other names: c.3831G>A, p.Val1277= (NM_014381.3).
Identifiers: ClinVar variation 1949072 (VCV001949072.5), dbSNP rs2139385707, ClinGen allele CA487175732.

ClinVar aggregate classification (germline): Uncertain significance (1 of 4 stars; one submission).

Conditions:
Colorectal cancer, hereditary nonpolyposis, type 7. Identifiers: Orphanet 144, MedGen C1858380, MONDO:0013725, OMIM 614385.

Submission:

Labcorp Genetics (formerly Invitae), Labcorp
Classification: Uncertain significance for Colorectal cancer, hereditary nonpolyposis, type 7. Last evaluated: 2022-02-21. Review status: criteria provided, single submitter. Criteria: Invitae Variant Classification Sherloc (09022015). Collection method: clinical testing. Allele origin: germline.
Comment: This sequence change affects codon 1301 of the MLH3 mRNA. It is a 'silent' change, meaning that it does not change the encoded amino acid sequence of the MLH3 protein. This variant is not present in population databases (gnomAD no frequency). In summary, the available evidence is currently insufficient to determine the role of this variant in disease. Therefore, it has been classified as a Variant of Uncertain Significance. Algorithms developed to predict the effect of sequence changes on RNA splicing suggest that this variant may disrupt the consensus splice site. This variant has not been reported in the literature in individuals affected with MLH3-related conditions.